The following is an entry in ClinVar:

ClinVar aggregate classification (germline): Uncertain significance. Review status: criteria provided, multiple submitters, no conflicts (2 of 4 stars). 3 submissions from 3 submitters: Uncertain significance (3). Last evaluated 2025-08-12.

Conditions:
Hereditary cancer-predisposing syndrome. Also called: Tumor predisposition; Neoplastic Syndromes, Hereditary; Hereditary neoplastic syndrome; Hereditary Cancer Syndrome. Identifiers: Orphanet 140162, MedGen C0027672, MeSH D009386, MONDO:0015356.
Familial adenomatous polyposis 1 (FAP1). Also called: POLYPOSIS, ADENOMATOUS INTESTINAL; FAMILIAL ADENOMATOUS POLYPOSIS 1, ATTENUATED. Identifiers: MedGen C2713442, MONDO:0021056, OMIM 175100. Disease mechanism: loss of function.

Submissions (3):

Labcorp Genetics (formerly Invitae), Labcorp
Classification: Uncertain significance for Familial adenomatous polyposis 1. Last evaluated: 2025-08-12. Review status: criteria provided, single submitter. Criteria: Invitae Variant Classification Sherloc (09022015). Collection method: clinical testing. Allele origin: germline.
Comment: This sequence change replaces alanine, which is neutral and non-polar, with serine, which is neutral and polar, at codon 2119 of the APC protein (p.Ala2119Ser). This variant is not present in population databases (gnomAD no frequency). This variant has not been reported in the literature in individuals affected with APC-related conditions. ClinVar contains an entry for this variant (Variation ID: 630743). Invitae Evidence Modeling of protein sequence and biophysical properties (such as structural, functional, and spatial information, amino acid conservation, physicochemical variation, residue mobility, and thermodynamic stability) indicates that this missense variant is not expected to disrupt APC protein function with a negative predictive value of 95%. In summary, the available evidence is currently insufficient to determine the role of this variant in disease. Therefore, it has been classified as a Variant of Uncertain Significance.

Color Diagnostics, LLC DBA Color Health
Classification: Uncertain significance for Hereditary cancer-predisposing syndrome. Last evaluated: 2023-12-04. Review status: criteria provided, single submitter. Criteria: ACMG Guidelines, 2015. Collection method: clinical testing. Allele origin: germline.
Comment: This missense variant replaces alanine with serine at codon 2119 of the APC protein. Computational prediction is inconclusive regarding the impact of this variant on protein structure and function (internally defined REVEL score threshold 0.5 < inconclusive < 0.7, PMID: 27666373). To our knowledge, functional studies have not been reported for this variant. This variant has not been reported in individuals affected with APC-related disorders in the literature. This variant has not been identified in the general population by the Genome Aggregation Database (gnomAD). The available evidence is insufficient to determine the role of this variant in disease conclusively. Therefore, this variant is classified as a Variant of Uncertain Significance.

Ambry Genetics
Classification: Uncertain significance for Hereditary cancer-predisposing syndrome. Last evaluated: 2022-04-19. Review status: criteria provided, single submitter. Criteria: Ambry Variant Classification Scheme 2023. Collection method: clinical testing. Allele origin: germline.
Comment: The p.A2119S variant (also known as c.6355G>T), located in coding exon 15 of the APC gene, results from a G to T substitution at nucleotide position 6355. The alanine at codon 2119 is replaced by serine, an amino acid with similar properties. This amino acid position is conserved. In addition, in silico predictors for this gene do not accurately predict pathogenicity. Since supporting evidence is limited at this time, the clinical significance of this alteration remains unclear.

NM_000038.6(APC):c.6355G>T (p.Ala2119Ser)

Gene: APC (APC regulator of Wnt signaling pathway; plus strand). Cytogenetic location: 5q22.2.
Variant type: single nucleotide variant.
Coding change: c.6355G>T on transcript NM_000038.6 (MANE Select); coding-DNA position 6355, G replaced by T.
Protein change: p.Ala2119Ser; replaces alanine 2119 with serine.
Molecular consequence: missense variant.
Genome position (GRCh38, 1-based): chr5:112,841,949, G>T. VCF-style: chr5-112841949-G-T. GRCh37 (hg19) VCF-style: chr5-112177646-G-T.
Other names: c.6280G>T, p.Ala2094Ser (NM_001354898.2); c.6271G>T, p.Ala2091Ser (NM_001354899.2); c.6232G>T, p.Ala2078Ser (NM_001354900.2); c.6178G>T, p.Ala2060Ser (NM_001354901.2); c.6082G>T, p.Ala2028Ser (NM_001354902.2); c.6052G>T, p.Ala2018Ser (NM_001354903.2); c.6355G>T, p.Ala2119Ser (NM_001127510.3, NM_001354895.2); c.6301G>T, p.Ala2101Ser (NM_001127511.3); and 5 more; short protein forms A2101S, A2119S, A2018S, A1836S, A1959S, A2060S, A2091S, A2137S.
Identifiers: ClinVar variation 630743 (VCV000630743.17), dbSNP rs1561606713, ClinGen allele CA16035251.